The following is an entry in ClinVar:

ClinVar aggregate classification (germline): Uncertain significance. Review status: criteria provided, multiple submitters, no conflicts (2 of 4 stars). 2 submissions from 2 submitters: Uncertain significance (2). Last evaluated 2025-11-03.

Conditions:
Isolated growth hormone deficiency type IB (IGHD1B). Also called: IGHD IB; IGHD 1B. Identifiers: Orphanet 231671, Orphanet 631, MedGen C2748571, MONDO:0013006, OMIM 612781.

Allele frequency attached by ClinVar (database versions not stated): gnomAD exomes 0.00001 and 0.00003; ExAC 0.00002; TOPMed 0.00002; gnomAD 0.00003 and 0.00004; 1000 Genomes Project 30x 0.00016; 1000 Genomes Project 0.00020.
gnomAD v4.1: 46 of 1,613,632 alleles (0.0029%); highest among the groups gnomAD compares: East Asian, 0.062%; no homozygotes.

Submissions (2):

Labcorp Genetics (formerly Invitae), Labcorp
Classification: Uncertain significance. Last evaluated: 2025-11-03. Review status: criteria provided, single submitter. Criteria: Invitae Variant Classification Sherloc (09022015). Collection method: clinical testing. Allele origin: germline.
Comment: This sequence change replaces arginine, which is basic and polar, with tryptophan, which is neutral and slightly polar, at codon 389 of the GHRHR protein (p.Arg389Trp). This variant is present in population databases (rs200508601, gnomAD 0.006%). This variant has not been reported in the literature in individuals affected with GHRHR-related conditions. ClinVar contains an entry for this variant (Variation ID: 909105). Invitae Evidence Modeling of protein sequence and biophysical properties (such as structural, functional, and spatial information, amino acid conservation, physicochemical variation, residue mobility, and thermodynamic stability) indicates that this missense variant is expected to disrupt GHRHR protein function with a positive predictive value of 80%. In summary, the available evidence is currently insufficient to determine the role of this variant in disease. Therefore, it has been classified as a Variant of Uncertain Significance.

Illumina Laboratory Services, Illumina
Classification: Uncertain significance for Isolated growth hormone deficiency type IB. Last evaluated: 2018-01-12. Review status: criteria provided, single submitter. Criteria: ICSL Variant Classification Criteria 13 December 2019. Collection method: clinical testing. Allele origin: germline.

NM_000823.4(GHRHR):c.1165C>T (p.Arg389Trp)

Gene: GHRHR (growth hormone releasing hormone receptor; plus strand). Cytogenetic location: 7p14.3.
Variant type: single nucleotide variant.
Coding change: c.1165C>T on transcript NM_000823.4 (MANE Select); coding-DNA position 1165, C replaced by T.
Protein change: p.Arg389Trp; replaces arginine 389 with tryptophan.
Molecular consequence: missense variant.
Genome position (GRCh38, 1-based): chr7:30,979,137, C>T. VCF-style: chr7-30979137-C-T. GRCh37 (hg19) VCF-style: chr7-31018752-C-T.
Other names: short protein forms R389W.
Identifiers: ClinVar variation 909105 (VCV000909105.8), dbSNP rs200508601, ClinGen allele CA4208835.